The following is an entry in ClinVar:

ClinVar aggregate classification (germline): Uncertain significance. Review status: criteria provided, multiple submitters, no conflicts (2 of 4 stars). 8 submissions from 8 submitters: Uncertain significance (8). Last evaluated 2025-03-23.

Conditions:
Aortic aneurysm, familial thoracic 4 (AAT4). Also called: AORTIC ANEURYSM/AORTIC DISSECTION AND PATENT DUCTUS ARTERIOSUS. Identifiers: MedGen C1851504, MONDO:0007568, OMIM 132900.
Visceral myopathy 2. Identifiers: MedGen C5543466, MONDO:0859157, OMIM 619350.
Megacystis-microcolon-intestinal hypoperistalsis syndrome 2. Identifiers: MedGen C5543476, MONDO:0025708, OMIM 619351.
MYH11-related disorder. Also called: MYH11-related condition.
Familial thoracic aortic aneurysm and aortic dissection (TAAD). Also called: Thoracic aortic aneurysms and dissections. Identifiers: Orphanet 91387, MedGen C4707243, MONDO:0019625.

Allele frequency attached by ClinVar (database versions not stated): TOPMed below 0.00001; ExAC 0.00001; gnomAD exomes 0.00001.
gnomAD v4.1: 21 of 1,614,224 alleles (0.0013%); highest among the groups gnomAD compares: Non-Finnish European, 0.0018%; no homozygotes.

Submissions (8):

PreventionGenetics, part of Exact Sciences
Classification: Uncertain significance for MYH11-related condition. Last evaluated: 2025-03-23. Review status: criteria provided, single submitter. Criteria: ACMG Guidelines, 2015. Collection method: clinical testing. Allele origin: germline.
Comment: The MYH11 c.4564G>A variant is predicted to result in the amino acid substitution p.Asp1522Asn. To our knowledge, this variant has not been reported in the literature. This variant is reported in 0.0026% of alleles in individuals of European (Non-Finnish) descent in gnomAD. At this time, the clinical significance of this variant is uncertain due to the absence of conclusive functional and genetic evidence.

Labcorp Genetics (formerly Invitae), Labcorp
Classification: Uncertain significance for Aortic aneurysm, familial thoracic 4. Last evaluated: 2025-01-20. Review status: criteria provided, single submitter. Criteria: Invitae Variant Classification Sherloc (09022015). Collection method: clinical testing. Allele origin: germline.
Comment: This sequence change replaces aspartic acid, which is acidic and polar, with asparagine, which is neutral and polar, at codon 1522 of the MYH11 protein (p.Asp1522Asn). This variant is present in population databases (rs200909802, gnomAD 0.003%). This variant has not been reported in the literature in individuals affected with MYH11-related conditions. ClinVar contains an entry for this variant (Variation ID: 264056). Invitae Evidence Modeling of protein sequence and biophysical properties (such as structural, functional, and spatial information, amino acid conservation, physicochemical variation, residue mobility, and thermodynamic stability) indicates that this missense variant is not expected to disrupt MYH11 protein function with a negative predictive value of 95%. In summary, the available evidence is currently insufficient to determine the role of this variant in disease. Therefore, it has been classified as a Variant of Uncertain Significance.

All of Us Research Program, National Institutes of Health
Classification: Uncertain significance for Familial thoracic aortic aneurysm and aortic dissection. Last evaluated: 2024-08-13. Review status: criteria provided, single submitter. Criteria: ACMG Guidelines, 2015. Collection method: clinical testing. Allele origin: germline. Inheritance: Autosomal dominant inheritance. Observed: 5 variant alleles, 5 heterozygotes.
Comment: This missense variant replaces aspartic acid with asparagine at codon 1522 of the MYH11 protein. Computational prediction is inconclusive regarding the impact of this variant on protein structure and function (internally defined REVEL score threshold 0.5 < inconclusive < 0.7, PMID: 27666373). To our knowledge, functional studies have not been reported for this variant. This variant has not been reported in individuals affected with cardiovascular disorders in the literature. This variant has been identified in 3/251488 chromosomes in the general population by the Genome Aggregation Database (gnomAD). The available evidence is insufficient to determine the role of this variant in disease conclusively. Therefore, this variant is classified as a Variant of Uncertain Significance.

This study involves interpretation of variants in research participants for the purpose of population health screening. Participant phenotype was not available at the time of variant classification. Additional details can be found in publication PMID: 35346344, PMCID: PMC8962531

Color Diagnostics, LLC DBA Color Health
Classification: Uncertain significance for Familial thoracic aortic aneurysm and aortic dissection. Last evaluated: 2024-03-06. Review status: criteria provided, single submitter. Criteria: ACMG Guidelines, 2015. Collection method: clinical testing. Allele origin: germline.
Comment: This missense variant replaces aspartic acid with asparagine at codon 1522 of the MYH11 protein. Computational prediction is inconclusive regarding the impact of this variant on protein structure and function (internally defined REVEL score threshold 0.5 < inconclusive < 0.7, PMID: 27666373). To our knowledge, functional studies have not been reported for this variant. This variant has not been reported in individuals affected with MYH11-related disorders in the literature. This variant has been identified in 3/251488 chromosomes in the general population by the Genome Aggregation Database (gnomAD). The available evidence is insufficient to determine the role of this variant in disease conclusively. Therefore, this variant is classified as a Variant of Uncertain Significance.

Ambry Genetics
Classification: Uncertain significance for Familial thoracic aortic aneurysm and aortic dissection. Last evaluated: 2023-11-03. Review status: criteria provided, single submitter. Criteria: Ambry Variant Classification Scheme 2023. Collection method: clinical testing. Allele origin: germline.
Comment: The p.D1515N variant (also known as c.4543G>A), located in coding exon 31 of the MYH11 gene, results from a G to A substitution at nucleotide position 4543. The aspartic acid at codon 1515 is replaced by asparagine, an amino acid with highly similar properties. This amino acid position is highly conserved in available vertebrate species. In addition, this alteration is predicted to be tolerated by in silico analysis. Since supporting evidence is limited at this time, the clinical significance of this alteration remains unclear.

GeneDx
Classification: Uncertain significance. Last evaluated: 2022-11-30. Review status: criteria provided, single submitter. Criteria: GeneDx Variant Classification Process June 2021. Collection method: clinical testing. Allele origin: germline. Affected: yes.
Comment: Has not been previously published as pathogenic or benign to our knowledge; Not observed at significant frequency in large population cohorts (gnomAD); In silico analysis supports that this missense variant has a deleterious effect on protein structure/function

Fulgent Genetics
Classification: Uncertain significance for Aortic aneurysm, familial thoracic 4; Visceral myopathy 2; Megacystis-microcolon-intestinal hypoperistalsis syndrome 2. Last evaluated: 2021-10-13. Review status: criteria provided, single submitter. Criteria: ACMG Guidelines, 2015. Collection method: clinical testing. Allele origin: unknown.

Women's Health and Genetics/Laboratory Corporation of America, LabCorp
Classification: Uncertain significance. Last evaluated: 2020-06-29. Review status: criteria provided, single submitter. Criteria: LabCorp Variant Classification Summary - May 2015. Collection method: clinical testing. Allele origin: germline.
Comment: Variant summary: MYH11 c.4564G>A (p.Asp1522Asn) results in a conservative amino acid change located in the Myosin tail domain (IPR002928) of the encoded protein sequence. Three of five in-silico tools predict a damaging effect of the variant on protein function. The variant allele was found at a frequency of 1.2e-05 in 251488 control chromosomes (gnomAD). The available data on variant occurrences in the general population are insufficient to allow any conclusion about variant significance. To our knowledge, no occurrence of c.4564G>A in individuals affected with Aortopathy and no experimental evidence demonstrating its impact on protein function have been reported. Three ClinVar submitters (evaluation after 2014) cite the variant as uncertain significance. Based on the evidence outlined above, the variant was classified as uncertain significance.

NM_002474.3(MYH11):c.4543G>A (p.Asp1515Asn)

Genes: MYH11 (myosin heavy chain 11; minus strand), NDE1 (nudE neurodevelopment protein 1; plus strand). Cytogenetic location: 16p13.11.
Variant type: single nucleotide variant.
Coding change: c.4543G>A on transcript NM_002474.3 (MANE Select); coding-DNA position 4543, G replaced by A.
Protein change: p.Asp1515Asn; replaces aspartic acid 1515 with asparagine.
Molecular consequence: missense variant. On other transcripts: intron variant (2).
Genome position (GRCh38, 1-based): chr16:15,721,457, C>T on the plus strand (G>A on the coding strand, the complement: MYH11 is on the minus strand). VCF-style: chr16-15721457-C-T. GRCh37 (hg19) VCF-style: chr16-15815314-C-T.
Other names: c.4564G>A, p.Asp1522Asn (NM_001040114.2, NM_001040113.2); c.4543G>A, p.Asp1515Asn (NM_022844.3); c.948-2734C>T (NM_001143979.2, NM_017668.3); short protein forms D1515N, D1522N.
Identifiers: ClinVar variation 264056 (VCV000264056.23), dbSNP rs200909802, ClinGen allele CA7921646.